The following is an entry in ClinVar:

NM_005293.3(GPR20):c.6C>G (p.Pro2=)

Gene: GPR20 (G protein-coupled receptor 20; minus strand). Cytogenetic location: 8q24.3.
Variant type: single nucleotide variant.
Coding change: c.6C>G on transcript NM_005293.3 (MANE Select); coding-DNA position 6, C replaced by G.
Protein change: p.Pro2=; no amino-acid change (proline 2 retained).
Molecular consequence: synonymous variant.
Genome position (GRCh38, 1-based): chr8:141,357,918, G>C on the plus strand (C>G on the coding strand, the complement: GPR20 is on the minus strand). VCF-style: chr8-141357918-G-C. GRCh37 (hg19) VCF-style: chr8-142368018-G-C.
Identifiers: ClinVar variation 2658876 (VCV002658876.24), dbSNP rs748344567, ClinGen allele CA4898716.

ClinVar aggregate classification (germline): Likely benign (1 of 4 stars; one submission).

Allele frequency attached by ClinVar (database versions not stated): ExAC 0.00016; gnomAD 0.00025; gnomAD exomes 0.00033.

Submission:

CeGaT Center for Human Genetics Tuebingen
Classification: Likely benign. Last evaluated: 2022-07-01. Review status: criteria provided, single submitter. Criteria: CeGaT Center For Human Genetics Tuebingen Variant Classification Criteria Version 2. Collection method: clinical testing. Allele origin: germline. Affected: yes. Observed: 1 variant allele.
Comment: GPR20: BP4, BP7